The following is an entry in ClinVar:

NM_005120.3(MED12):c.6327_6335del (p.Gln2113_Gln2115del)

Gene: MED12 (mediator complex subunit 12; plus strand). Cytogenetic location: Xq13.1.
Variant type: Deletion.
Coding change: c.6327_6335del on transcript NM_005120.3 (MANE Select); coding-DNA positions 6327 to 6335, 9 bases deleted (GCAACAGCA; older notation c.6327_6335delGCAACAGCA).
Protein change: p.Gln2113_Gln2115del.
Molecular consequence: inframe deletion.
Genome position (GRCh38, 1-based): chrX:71,141,289-71,141,297, GCAACAGCA deleted; deleting any 9 consecutive bases within chrX:71,141,284-71,141,297 gives the same sequence; the c. name uses the placement nearest the transcript's 3' end. VCF-style (leftmost placement, unchanged base first): chrX-71141283-GCAGCAGCAA-G. GRCh37 (hg19) VCF-style: chrX-70361133-GCAGCAGCAA-G.
Other names: c.6327_6335del9 (NM_005120.2).
Identifiers: ClinVar variation 4750478 (VCV004750478.2).

ClinVar aggregate classification (germline): Uncertain significance. Review status: criteria provided, multiple submitters, no conflicts (2 of 4 stars). 2 submissions from 2 submitters: Uncertain significance (2). Last evaluated 2026-01-30.

Conditions:
MED12-Related Disorders. Also called: MED12-related disorder; MED12-related condition. Identifiers: MedGen CN381102.
FG syndrome (FGS). Identifiers: MedGen C0220769, MONDO:0002010.

Submissions (2):

Labcorp Genetics (formerly Invitae), Labcorp
Classification: Uncertain significance for FG syndrome. Last evaluated: 2026-01-30. Review status: criteria provided, single submitter. Criteria: Invitae Variant Classification Sherloc (09022015). Collection method: clinical testing. Allele origin: germline.
Comment: This variant, c.6327_6335del, results in the deletion of 3 amino acid(s) of the MED12 protein (p.Gln2113_Gln2115del), but otherwise preserves the integrity of the reading frame. This variant is not present in population databases (gnomAD no frequency). This variant has not been reported in the literature in individuals affected with MED12-related conditions. Experimental studies and prediction algorithms are not available or were not evaluated, and the functional significance of this variant is currently unknown. In summary, the available evidence is currently insufficient to determine the role of this variant in disease. Therefore, it has been classified as a Variant of Uncertain Significance.

PreventionGenetics, part of Exact Sciences
Classification: Uncertain significance for MED12-related condition. Last evaluated: 2024-12-24. Review status: criteria provided, single submitter. Criteria: ACMG Guidelines, 2015. Collection method: clinical testing. Allele origin: germline.
Comment: The MED12 c.6327_6335del9 variant is predicted to result in an in-frame deletion (p.Gln2113_Gln2115del). To our knowledge, this variant has not been reported in the literature or in a large population database (gnomAD), indicating this variant is rare. At this time, the clinical significance of this variant is uncertain due to the absence of conclusive functional and genetic evidence.